The following is an entry in ClinVar:

NM_001084.5(PLOD3):c.616-111C>G

Gene: PLOD3 (procollagen-lysine,2-oxoglutarate 5-dioxygenase 3; minus strand). Cytogenetic location: 7q22.1.
Variant type: single nucleotide variant.
Coding change: c.616-111C>G on transcript NM_001084.5 (MANE Select); 111 bases into the intron before coding-DNA position 616, C replaced by G.
Molecular consequence: intron variant.
Genome position (GRCh38, 1-based): chr7:101,215,263, G>C on the plus strand (C>G on the coding strand, the complement: PLOD3 is on the minus strand). VCF-style: chr7-101215263-G-C. GRCh37 (hg19) VCF-style: chr7-100858544-G-C.
Identifiers: ClinVar variation 1706964 (VCV001706964.2), dbSNP rs141654216, ClinGen allele CA15501733.

ClinVar aggregate classification (germline): Likely benign (1 of 4 stars; one submission).

Allele frequency attached by ClinVar (database versions not stated): 1000 Genomes Project 0.00859; 1000 Genomes Project 30x 0.00906; TOPMed 0.01784; gnomAD 0.01812.
gnomAD v4.1: 16,597 of 840,188 alleles (2%); highest among the groups gnomAD compares: Non-Finnish European, 2.7%; 220 homozygotes.

Submission:

GeneDx
Classification: Likely benign. Last evaluated: 2020-12-12. Review status: criteria provided, single submitter. Criteria: GeneDx Variant Classification Process June 2021. Collection method: clinical testing. Allele origin: germline. Affected: yes.
Comment: See Variant Classification Assertion Criteria.